The following is an entry in ClinVar:

NM_016616.5(NME8):c.475A>C (p.Ile159Leu)

Gene: NME8 (NME/NM23 family member 8; plus strand). Cytogenetic location: 7p14.1.
Variant type: single nucleotide variant.
Coding change: c.475A>C on transcript NM_016616.5 (MANE Select); coding-DNA position 475, A replaced by C.
Protein change: p.Ile159Leu; replaces isoleucine 159 with leucine.
Molecular consequence: missense variant.
Genome position (GRCh38, 1-based): chr7:37,864,368, A>C. VCF-style: chr7-37864368-A-C. GRCh37 (hg19) VCF-style: chr7-37903970-A-C.
Other names: short protein forms I159L.
Identifiers: ClinVar variation 3604004 (VCV003604004.2).
Genomic context (GRCh38, chr7:37,864,368, plus strand): 5'-AAGAAAATGAAATTCTGTCTTTTTCTAAATTTTTTTCCAGAGGAATTATACAGTATTGCT[A>C]TTATCAAACCGGATGCTGTGATTAGTAAAAAAGTTCTAGAAATTAAAAGAAAAGTAAGTA-3'
Protein context (NP_057700.3, residues 149-169): ESVQELYSIA[Ile159Leu]IKPDAVISKK

ClinVar aggregate classification (germline): Uncertain significance (1 of 4 stars; one submission).

Conditions:
Primary ciliary dyskinesia 6. Also called: Primary Ciliary Dyskinesia 6: TXNDC3-Related Primary Ciliary Dyskinesia. Identifiers: Orphanet 244, MedGen C1970506, MONDO:0012571, OMIM 610852.

gnomAD v4.1: 1 of 1,592,170 alleles (0.000063%); highest among the groups gnomAD compares: Non-Finnish European, 0.000086%; no homozygotes.

Submission:

Labcorp Genetics (formerly Invitae), Labcorp
Classification: Uncertain significance for Primary ciliary dyskinesia 6. Last evaluated: 2024-12-10. Review status: criteria provided, single submitter. Criteria: Invitae Variant Classification Sherloc (09022015). Collection method: clinical testing. Allele origin: germline.
Comment: This sequence change replaces isoleucine, which is neutral and non-polar, with leucine, which is neutral and non-polar, at codon 159 of the NME8 protein (p.Ile159Leu). This variant is not present in population databases (gnomAD no frequency). This variant has not been reported in the literature in individuals affected with NME8-related conditions. Invitae Evidence Modeling of protein sequence and biophysical properties (such as structural, functional, and spatial information, amino acid conservation, physicochemical variation, residue mobility, and thermodynamic stability) indicates that this missense variant is not expected to disrupt NME8 protein function with a negative predictive value of 80%. In summary, the available evidence is currently insufficient to determine the role of this variant in disease. Therefore, it has been classified as a Variant of Uncertain Significance.